The following is an entry in ClinVar:

NM_024408.4(NOTCH2):c.6908C>A (p.Pro2303His)

Gene: NOTCH2 (notch receptor 2; minus strand). Cytogenetic location: 1p12.
Variant type: single nucleotide variant.
Coding change: c.6908C>A on transcript NM_024408.4 (MANE Select); coding-DNA position 6908, C replaced by A.
Protein change: p.Pro2303His; replaces proline 2303 with histidine.
Molecular consequence: missense variant.
Genome position (GRCh38, 1-based): chr1:119,915,814, G>T on the plus strand (C>A on the coding strand, the complement: NOTCH2 is on the minus strand). VCF-style: chr1-119915814-G-T. GRCh37 (hg19) VCF-style: chr1-120458437-G-T.
Other names: short protein forms P2303H.
Identifiers: ClinVar variation 1465847 (VCV001465847.6), dbSNP rs1443569299, ClinGen allele CA341874848.
Genomic context (GRCh38, chr1:119,915,814, plus strand): 5'-TGGGGAGCCCCCGCTGGTTGGGCAATACTGCCTTTAGGGATGAGCTGGAAAGTCACAATG[G>T]GGGGCAAGGGCTCCCGAGGGGTGGTTATGTGCTTCCCTTCAGGTGGCCTGCTCTGGGGAG-3'
Protein context (NP_077719.2, residues 2293-2313): HITTPREPLP[Pro2303His]IVTFQLIPKG

ClinVar aggregate classification (germline): Uncertain significance (1 of 4 stars; one submission).

Conditions:
Hajdu-Cheney syndrome (HJCYS). Also called: ACROOSTEOLYSIS WITH OSTEOPOROSIS AND CHANGES IN SKULL AND MANDIBLE; SERPENTINE FIBULA-POLYCYSTIC KIDNEY SYNDROME; Acroosteolysis dominant type. Identifiers: Orphanet 955, MedGen C0917715, MONDO:0007057, OMIM 102500.

Allele frequency attached by ClinVar (database versions not stated): gnomAD exomes 0.00001.
gnomAD v4.1: 1 of 1,613,562 alleles (0.000062%); highest among the groups gnomAD compares: South Asian, 0.0011%; no homozygotes.

Submission:

Labcorp Genetics (formerly Invitae), Labcorp
Classification: Uncertain significance for Hajdu-Cheney syndrome. Last evaluated: 2025-05-30. Review status: criteria provided, single submitter. Criteria: Invitae Variant Classification Sherloc (09022015). Collection method: clinical testing. Allele origin: germline.
Comment: This sequence change replaces proline, which is neutral and non-polar, with histidine, which is basic and polar, at codon 2303 of the NOTCH2 protein (p.Pro2303His). This variant is present in population databases (no rsID available, gnomAD 0.005%). This variant has not been reported in the literature in individuals affected with NOTCH2-related conditions. ClinVar contains an entry for this variant (Variation ID: 1465847). Invitae Evidence Modeling of protein sequence and biophysical properties (such as structural, functional, and spatial information, amino acid conservation, physicochemical variation, residue mobility, and thermodynamic stability) indicates that this missense variant is not expected to disrupt NOTCH2 protein function with a negative predictive value of 80%. In summary, the available evidence is currently insufficient to determine the role of this variant in disease. Therefore, it has been classified as a Variant of Uncertain Significance.